The following is an entry in ClinVar:

NM_001080397.3(SLC45A1):c.1125C>T (p.Ser375=)

Gene: SLC45A1 (solute carrier family 45 member 1; plus strand). Cytogenetic location: 1p36.23.
Variant type: single nucleotide variant.
Coding change: c.1125C>T on transcript NM_001080397.3 (MANE Select); coding-DNA position 1125, C replaced by T.
Protein change: p.Ser375=; no amino-acid change (serine 375 retained).
Molecular consequence: synonymous variant.
Genome position (GRCh38, 1-based): chr1:8,330,618, C>T. VCF-style: chr1-8330618-C-T. GRCh37 (hg19) VCF-style: chr1-8390678-C-T.
Other names: c.1125C>T, p.Ser375= (NM_001379614.1); c.1032C>T, p.Ser344= (NM_001379615.1, NM_001379616.1); c.519C>T, p.Ser173= (NM_001379617.1, NM_001379618.1).
Identifiers: ClinVar variation 2638150 (VCV002638150.25), dbSNP rs149392083, ClinGen allele CA570310.

ClinVar aggregate classification (germline): Likely benign. Review status: criteria provided, multiple submitters, no conflicts (2 of 4 stars). 2 submissions from 2 submitters: Likely benign (2). Last evaluated 2026-06-01.

Allele frequency attached by ClinVar (database versions not stated): gnomAD 0.00044; TOPMed 0.00049; ExAC 0.00052; ESP Exome Variant Server 0.00054; gnomAD exomes 0.00078.
gnomAD v4.1: 1,227 of 1,613,514 alleles (0.076%); highest among the groups gnomAD compares: Non-Finnish European, 0.084%; no homozygotes.

Submissions (2):

CeGaT Center for Human Genetics Tuebingen
Classification: Likely benign. Last evaluated: 2026-06-01. Review status: criteria provided, single submitter. Criteria: CeGaT Center For Human Genetics Tuebingen Variant Classification Criteria Version 2. Collection method: clinical testing. Allele origin: germline. Affected: yes. Observed: 2 variant alleles.
Comment: SLC45A1: BP4, BP7

Blueprint Genetics
Classification: Likely benign. Last evaluated: 2024-11-19. Review status: criteria provided, single submitter. Criteria: ACMG Guidelines, 2015. Collection method: clinical testing. Allele origin: germline.